The following is an entry in ClinVar:

ClinVar aggregate classification (germline): Uncertain significance (1 of 4 stars; one submission).

gnomAD v4.1: 4 of 1,613,752 alleles (0.00025%); highest among the groups gnomAD compares: Admixed American, 0.0067%; no homozygotes.

Submission:

Labcorp Genetics (formerly Invitae), Labcorp
Classification: Uncertain significance. Last evaluated: 2024-11-21. Review status: criteria provided, single submitter. Criteria: Invitae Variant Classification Sherloc (09022015). Collection method: clinical testing. Allele origin: germline.
Comment: This sequence change replaces leucine, which is neutral and non-polar, with valine, which is neutral and non-polar, at codon 142 of the SPTA1 protein (p.Leu142Val). This variant is present in population databases (rs772331821, gnomAD 0.01%). This variant has not been reported in the literature in individuals affected with SPTA1-related conditions. Invitae Evidence Modeling of protein sequence and biophysical properties (such as structural, functional, and spatial information, amino acid conservation, physicochemical variation, residue mobility, and thermodynamic stability) indicates that this missense variant is not expected to disrupt SPTA1 protein function with a negative predictive value of 80%. In summary, the available evidence is currently insufficient to determine the role of this variant in disease. Therefore, it has been classified as a Variant of Uncertain Significance.

NM_003126.4(SPTA1):c.424C>G (p.Leu142Val)

Gene: SPTA1 (spectrin alpha, erythrocytic 1; minus strand). Cytogenetic location: 1q23.1.
Variant type: single nucleotide variant.
Coding change: c.424C>G on transcript NM_003126.4 (MANE Select); coding-DNA position 424, C replaced by G.
Protein change: p.Leu142Val; replaces leucine 142 with valine.
Molecular consequence: missense variant.
Genome position (GRCh38, 1-based): chr1:158,681,634, G>C on the plus strand (C>G on the coding strand, the complement: SPTA1 is on the minus strand). VCF-style: chr1-158681634-G-C. GRCh37 (hg19) VCF-style: chr1-158651424-G-C.
Other names: short protein forms L142V.
Identifiers: ClinVar variation 3621510 (VCV003621510.2).